The following is an entry in ClinVar:

NM_020800.3(IFT80):c.1129A>G (p.Ser377Gly)

Genes: IFT80 (intraflagellar transport 80; minus strand), TRIM59-IFT80 (TRIM59-IFT80 readthrough (NMD candidate); minus strand). Cytogenetic location: 3q25.33.
Variant type: single nucleotide variant.
Coding change: c.1129A>G on transcript NM_020800.3 (MANE Select); coding-DNA position 1129, A replaced by G.
Protein change: p.Ser377Gly; replaces serine 377 with glycine.
Molecular consequence: missense variant. On other transcripts: non-coding transcript variant (3).
Genome position (GRCh38, 1-based): chr3:160,303,937, T>C on the plus strand (A>G on the coding strand, the complement: IFT80 is on the minus strand). VCF-style: chr3-160303937-T-C. GRCh37 (hg19) VCF-style: chr3-160021725-T-C.
Other names: c.718A>G, p.Ser240Gly (NM_001190241.2, NM_001190242.2); short protein forms S240G, S377G.
Identifiers: ClinVar variation 1916731 (VCV001916731.5), dbSNP rs912304222, ClinGen allele CA86558828.

ClinVar aggregate classification (germline): Uncertain significance (1 of 4 stars; one submission).

Conditions:
Jeune thoracic dystrophy. Also called: Short-rib thoracic dysplasia; Jeune syndrome; Infantile thoracic dystrophy; Thoracic pelvic phalangeal dystrophy; Jeune's syndrome; Chondroectodermal dysplasia-like syndrome. Identifiers: Orphanet 474, MedGen C0265275, MONDO:0018770.

Allele frequency attached by ClinVar (database versions not stated): gnomAD exomes below 0.00001.
gnomAD v4.1: 1 of 1,610,906 alleles (0.000062%); highest among the groups gnomAD compares: Non-Finnish European, 0.000085%; no homozygotes.

Submission:

Labcorp Genetics (formerly Invitae), Labcorp
Classification: Uncertain significance for Jeune thoracic dystrophy. Last evaluated: 2022-10-26. Review status: criteria provided, single submitter. Criteria: Invitae Variant Classification Sherloc (09022015). Collection method: clinical testing. Allele origin: germline.
Comment: This sequence change replaces serine, which is neutral and polar, with glycine, which is neutral and non-polar, at codon 377 of the IFT80 protein (p.Ser377Gly). This variant is not present in population databases (gnomAD no frequency). This variant has not been reported in the literature in individuals affected with IFT80-related conditions. Algorithms developed to predict the effect of missense changes on protein structure and function (SIFT, PolyPhen-2, Align-GVGD) all suggest that this variant is likely to be tolerated. In summary, the available evidence is currently insufficient to determine the role of this variant in disease. Therefore, it has been classified as a Variant of Uncertain Significance.